The following is an entry in ClinVar:

ClinVar aggregate classification (germline): Pathogenic/Likely pathogenic. Review status: criteria provided, multiple submitters, no conflicts (2 of 4 stars). 2 submissions from 2 submitters: Pathogenic (1); Likely pathogenic (1). Last evaluated 2021-05-06.

Conditions:
Persistent Mullerian duct syndrome (PMDS). Also called: HERNIA UTERI INGUINALE; PERSISTENT OVIDUCT SYNDROME; PSEUDOHERMAPHRODITISM, MALE INTERNAL; PERSISTENT MULLERIAN DUCT SYNDROME, TYPES I AND II; FEMALE GENITAL DUCTS IN OTHERWISE NORMAL MALE. Identifiers: Orphanet 2856, MedGen C1849930, MONDO:0009857, OMIM 261550.

Allele frequency attached by ClinVar (database versions not stated): gnomAD 0.00002; TOPMed 0.00005.
gnomAD v4.1: 8 of 1,438,406 alleles (0.00056%); highest among the groups gnomAD compares: East Asian, 0.025%; no homozygotes.

Submissions (2):

Victorian Clinical Genetics Services, Murdoch Childrens Research Institute
Classification: Pathogenic for Persistent Mullerian duct syndrome. Last evaluated: 2021-05-06. Review status: criteria provided, single submitter. Criteria: ACMG Guidelines, 2015. Collection method: clinical testing. Allele origin: germline. Inheritance: Autosomal recessive inheritance. Affected: yes.
Comment: Based on the classification scheme VCGS_Germline_v1.3.4, this variant is classified as Pathogenic. Following criteria are met: 0102 - Loss of function is a known mechanism of disease in this gene and is associated with Persistent Mullerian duct syndrome, type I (MIM#261550). (I) 0106 - This gene is associated with autosomal recessive disease. (I) 0205 - Variant is predicted to result in a truncated protein (premature termination codon is NOT located at least 54 nucleotides upstream of the final exon-exon junction with less than 1/3 of the protein sequence affected. (SP) 0252 - This variant is homozygous. (I) 0304 - Variant is present in gnomAD (v3) <0.01 for a recessive condition (3 heterozygotes, 0 homozygotes). (SP) 0600 - Variant is located in the annotated Anti-Mullerian hormone, N terminal region (PMID: 32172781). (I) 0702 - Three other truncation variants comparable to the one identified in this case have strong previous evidence for pathogenicity (ClinVar, PMID: 32172781). (SP) 0803 - This variant has been reported in two individuals with persistent Mullerian duct syndrome (PMID: 32172781, 31277073). (SP) 0905 - No published segregation evidence has been identified for this variant. (I) 1007 - No published functional evidence has been identified for this variant. (I) 1208 - Inheritance information for this variant is not currently available in this individual. (I) Legend: (SP) - Supporting pathogenic, (I) - Information, (SB) - Supporting benign

Juno Genomics, Hangzhou Juno Genomics, Inc
Classification: Likely pathogenic for Persistent Mullerian duct syndrome. Review status: criteria provided, single submitter. Criteria: ACMG Guidelines, 2015. Collection method: clinical testing. Allele origin: germline. Affected: yes.
Comment: Absent from controls (or at extremely low frequency if recessive) in Genome Aggregation Database, Exome Sequencing Project, 1000 Genomes Project, or Exome Aggregation Consortium.;Null variant in a gene where loss of function (LOF) is a known mechanism of disease.;For recessive disorders, detected in trans with a pathogenic variant.

Literature cited by the submitters: PubMed 31277073 (cited by Victorian Clinical Genetics Services, Murdoch Childrens Research Institute); PubMed 32172781 (cited by Victorian Clinical Genetics Services, Murdoch Childrens Research Institute).

NM_000479.5(AMH):c.1165G>T (p.Glu389Ter)

Gene: AMH (anti-Mullerian hormone; plus strand). Cytogenetic location: 19p13.3.
Variant type: single nucleotide variant.
Coding change: c.1165G>T on transcript NM_000479.5 (MANE Select); coding-DNA position 1165, G replaced by T.
Protein change: p.Glu389Ter; replaces glutamic acid 389 with a stop codon.
Molecular consequence: nonsense.
Genome position (GRCh38, 1-based): chr19:2,251,439, G>T. VCF-style: chr19-2251439-G-T. GRCh37 (hg19) VCF-style: chr19-2251438-G-T.
Other names: short protein forms E389*.
Identifiers: ClinVar variation 1804920 (VCV001804920.3), dbSNP rs1415701260, ClinGen allele CA403242262.
Genomic context (GRCh38, chr19:2,251,439, plus strand): 5'-GCGCCGTGGGCCACGGCCCTGGCGCGCCGCGTGGCTGCTGAACTGCAAGCGGCGGCTGCC[G>T]AGCTGCGAAGCCTCCCGGGTCTGCCTCCGGCCACAGCCCCGCTGCTGGCGCGCCTGCTCG-3'